The following is an entry in ClinVar:

ClinVar aggregate classification (germline): Uncertain significance. Review status: criteria provided, multiple submitters, no conflicts (2 of 4 stars). 4 submissions from 4 submitters: Uncertain significance (4). Last evaluated 2024-02-22.

Conditions:
Melanoma, cutaneous malignant, susceptibility to, 1 (CMM1). Also called: MELANOMA, MALIGNANT; DYSPLASTIC NEVUS SYNDROME, HEREDITARY; FAMILIAL ATYPICAL MOLE-MALIGNANT MELANOMA SYNDROME; B-K MOLE SYNDROME. Identifiers: Orphanet 618, MedGen C1835047, MONDO:0007963, OMIM 155600.
Peutz-Jeghers syndrome (PJS). Also called: POLYPOSIS, HAMARTOMATOUS INTESTINAL; POLYPS-AND-SPOTS SYNDROME; Peutz-Jeghers polyposis; Periorificial lentiginosis syndrome. Identifiers: Orphanet 2869, MedGen C0031269, MeSH D010580, MONDO:0008280, OMIM 175200.
Hereditary cancer-predisposing syndrome. Also called: Hereditary Cancer Syndrome; Hereditary neoplastic syndrome; Neoplastic Syndromes, Hereditary; Tumor predisposition. Identifiers: Orphanet 140162, MedGen C0027672, MeSH D009386, MONDO:0015356.

Allele frequency attached by ClinVar (database versions not stated): gnomAD exomes below 0.00001.
gnomAD v4.1: 1 of 1,613,644 alleles (0.000062%); highest among the groups gnomAD compares: South Asian, 0.0011%; no homozygotes.

Submissions (4):

Baylor Genetics
Classification: Uncertain significance for Melanoma, cutaneous malignant, susceptibility to, 1. Last evaluated: 2024-02-22. Review status: criteria provided, single submitter. Criteria: ACMG Guidelines, 2015. Collection method: clinical testing. Allele origin: unknown.

All of Us Research Program, National Institutes of Health
Classification: Uncertain significance for Peutz-Jeghers syndrome. Last evaluated: 2023-12-18. Review status: criteria provided, single submitter. Criteria: ACMG Guidelines, 2015. Collection method: clinical testing. Allele origin: germline. Inheritance: Autosomal dominant inheritance. Observed: 1 variant allele, 1 heterozygote.
Comment: This missense variant replaces threonine with isoleucine at codon 32 of the STK11 protein. Computational prediction suggests that this variant may not impact protein structure and function (internally defined REVEL score threshold <= 0.5, PMID: 27666373). To our knowledge, functional studies have not been reported for this variant. This variant has not been reported in individuals affected with STK11-related disorders in the literature. This variant has not been identified in the general population by the Genome Aggregation Database (gnomAD). The available evidence is insufficient to determine the role of this variant in disease conclusively. Therefore, this variant is classified as a Variant of Uncertain Significance.

This study involves interpretation of variants in research participants for the purpose of population health screening. Participant phenotype was not available at the time of variant classification. Additional details can be found in publication PMID: 35346344, PMCID: PMC8962531

Color Diagnostics, LLC DBA Color Health
Classification: Uncertain significance for Hereditary cancer-predisposing syndrome. Last evaluated: 2023-11-22. Review status: criteria provided, single submitter. Criteria: ACMG Guidelines, 2015. Collection method: clinical testing. Allele origin: germline.
Comment: This missense variant replaces threonine with isoleucine at codon 32 of the STK11 protein. Computational prediction suggests that this variant may not impact protein structure and function (internally defined REVEL score threshold <= 0.5, PMID: 27666373). To our knowledge, functional studies have not been reported for this variant. This variant has not been reported in individuals affected with STK11-related disorders in the literature. This variant has not been identified in the general population by the Genome Aggregation Database (gnomAD). The available evidence is insufficient to determine the role of this variant in disease conclusively. Therefore, this variant is classified as a Variant of Uncertain Significance.

Labcorp Genetics (formerly Invitae), Labcorp
Classification: Uncertain significance for Peutz-Jeghers syndrome. Last evaluated: 2023-02-08. Review status: criteria provided, single submitter. Criteria: Invitae Variant Classification Sherloc (09022015). Collection method: clinical testing. Allele origin: germline.
Comment: This variant has not been reported in the literature in individuals affected with STK11-related conditions. This sequence change replaces threonine, which is neutral and polar, with isoleucine, which is neutral and non-polar, at codon 32 of the STK11 protein (p.Thr32Ile). This variant is not present in population databases (gnomAD no frequency). Advanced modeling of protein sequence and biophysical properties (such as structural, functional, and spatial information, amino acid conservation, physicochemical variation, residue mobility, and thermodynamic stability) performed at Invitae indicates that this missense variant is not expected to disrupt STK11 protein function. In summary, the available evidence is currently insufficient to determine the role of this variant in disease. Therefore, it has been classified as a Variant of Uncertain Significance.

NM_000455.5(STK11):c.95C>T (p.Thr32Ile)

Gene: STK11 (serine/threonine kinase 11; plus strand). Cytogenetic location: 19p13.3.
Variant type: single nucleotide variant.
Coding change: c.95C>T on transcript NM_000455.5 (MANE Select); coding-DNA position 95, C replaced by T.
Protein change: p.Thr32Ile; replaces threonine 32 with isoleucine.
Molecular consequence: missense variant. On other transcripts: non-coding transcript variant (1).
Genome position (GRCh38, 1-based): chr19:1,207,008, C>T. VCF-style: chr19-1207008-C-T. GRCh37 (hg19) VCF-style: chr19-1207007-C-T.
Other names: c.95C>T, p.Thr32Ile (NM_001407255.1); short protein forms T32I.
Identifiers: ClinVar variation 2814994 (VCV002814994.6), dbSNP rs2145404870, ClinGen allele CA402943719.